The following is an entry in ClinVar:

NM_015046.7(SETX):c.991A>G (p.Ile331Val)

Gene: SETX (senataxin; minus strand). Cytogenetic location: 9q34.13.
Variant type: single nucleotide variant.
Coding change: c.991A>G on transcript NM_015046.7 (MANE Select); coding-DNA position 991, A replaced by G.
Protein change: p.Ile331Val; replaces isoleucine 331 with valine.
Molecular consequence: missense variant.
Genome position (GRCh38, 1-based): chr9:132,331,296, T>C on the plus strand (A>G on the coding strand, the complement: SETX is on the minus strand). VCF-style: chr9-132331296-T-C. GRCh37 (hg19) VCF-style: chr9-135206683-T-C.
Other names: c.991A>G, p.Ile331Val (NM_001351527.2, NM_001351528.2); short protein forms I331V.
Identifiers: ClinVar variation 1379186 (VCV001379186.17), dbSNP rs572884359, ClinGen allele CA5297882.

ClinVar aggregate classification (germline): Conflicting classifications of pathogenicity. Review status: criteria provided, conflicting classifications (1 of 4 stars). 6 submissions from 6 submitters: Uncertain significance (5); Benign (1). Last evaluated 2026-09-19.

Conditions:
SETX-related disorder. Also called: SETX-related disorders; SETX-related condition. Identifiers: MedGen CN239403.
Inborn genetic diseases. Identifiers: MedGen C0950123, MeSH D030342.
Spinocerebellar ataxia, autosomal recessive, with axonal neuropathy 2 (SCAN2). Also called: Ataxia-ocular apraxia-2; Ataxia with Oculomotor Apraxia Type 2; ATAXIA-OCULOMOTOR APRAXIA 2; Ataxia with Oculomotor Apraxia. Identifiers: Orphanet 64753, MedGen C1853761, MONDO:0018996, OMIM 606002.
Amyotrophic lateral sclerosis type 4 (ALS4). Also called: NEURONOPATHY, DISTAL HEREDITARY MOTOR, WITH PYRAMIDAL FEATURES; AMYOTROPHIC LATERAL SCLEROSIS 4, JUVENILE. Identifiers: Orphanet 357043, MedGen C1865409, MONDO:0011223, OMIM 602433.

Allele frequency attached by ClinVar (database versions not stated): ExAC 0.00003; gnomAD 0.00005; gnomAD exomes 0.00005 and 0.00009; TOPMed 0.00010; 1000 Genomes Project 0.00020; 1000 Genomes Project 30x 0.00031.
gnomAD v4.1: 77 of 1,614,116 alleles (0.0048%); highest among the groups gnomAD compares: Admixed American, 0.035%; no homozygotes.

Submissions (6):

PreventionGenetics, part of Exact Sciences
Classification: Uncertain significance for SETX-related condition. Last evaluated: 2026-09-19. Review status: criteria provided, single submitter. Criteria: ACMG Guidelines, 2015. Collection method: clinical testing. Allele origin: germline.
Comment: The SETX c.991A>G variant is predicted to result in the amino acid substitution p.Ile331Val. This variant has been reported in individual from an amyotrophic lateral sclerosis (ALS) cohort (Supplemental Data, Ruf et al. 2023. PubMed ID: 37223130). An alternate variant at the same amino acid position (p.Ile331Lys) has been reported in the compound heterozygote state in two unrelated individuals with autosomal recessive SETX-related conditions (Nanetti et al. 2013. PubMed ID: 23941260; Guan et al. 2020. PubMed ID: 31743419). The c.991A>G variant is reported in 0.049% of alleles in individuals of Latino descent in gnomAD and has conflicting classifications in ClinVar ranging from benign to uncertain (Variation ID: 1379186). At this time, the clinical significance of this variant is uncertain due to the absence of conclusive functional and genetic evidence.

Women's Health and Genetics/Laboratory Corporation of America, LabCorp
Classification: Uncertain significance. Last evaluated: 2026-01-27. Review status: criteria provided, single submitter. Criteria: LabCorp Variant Classification Summary - May 2015. Collection method: clinical testing. Allele origin: germline.
Comment: Variant summary: SETX c.991A>G (p.Ile331Val) results in a conservative amino acid change in the encoded protein sequence. Algorithms developed to predict the effect of missense changes on protein structure and function all suggest that this variant is likely to be tolerated. The variant allele was found at a frequency of 8.8e-05 in 251420 control chromosomes. This frequency is not significantly higher than estimated for disease-causing variants in SETX, allowing no conclusion about variant significance. To our knowledge, no occurrence of c.991A>G in individuals affected with SETX-related conditions and no experimental evidence demonstrating its impact on protein function have been reported. ClinVar contains an entry for this variant (Variation ID: 1379186). Based on the evidence outlined above, the variant was classified as uncertain significance.

Labcorp Genetics (formerly Invitae), Labcorp
Classification: Benign for Amyotrophic lateral sclerosis type 4; Spinocerebellar ataxia, autosomal recessive, with axonal neuropathy 2. Last evaluated: 2025-06-01. Review status: criteria provided, single submitter. Criteria: Invitae Variant Classification Sherloc (09022015). Collection method: clinical testing. Allele origin: germline.

Blueprint Genetics
Classification: Uncertain significance. Last evaluated: 2023-10-10. Review status: criteria provided, single submitter. Criteria: ACMG Guidelines, 2015. Collection method: clinical testing. Allele origin: germline.

Ambry Genetics
Classification: Uncertain significance for Inborn genetic diseases. Last evaluated: 2023-04-05. Review status: criteria provided, single submitter. Criteria: Ambry Variant Classification Scheme 2023. Collection method: clinical testing. Allele origin: germline.
Comment: Unlikely to be causative of SETX-related juvenile amyotrophic lateral sclerosis (AD) Based on insufficient or conflicting evidence, the clinical significance of this alteration remains unclear.

GeneDx
Classification: Uncertain significance. Last evaluated: 2022-11-30. Review status: criteria provided, single submitter. Criteria: GeneDx Variant Classification Process June 2021. Collection method: clinical testing. Allele origin: germline. Affected: yes.
Comment: In silico analysis supports that this missense variant does not alter protein structure/function; Has not been previously published as pathogenic or benign to our knowledge